The following is an entry in ClinVar:

ClinVar aggregate classification (germline): Uncertain significance (1 of 4 stars; one submission).

Conditions:
PRKACB-related disorder. Also called: PRKACB-related condition.

gnomAD v4.1: 3 of 1,579,612 alleles (0.00019%); highest among the groups gnomAD compares: Non-Finnish European, 0.00026%; no homozygotes.

Submission:

PreventionGenetics, part of Exact Sciences
Classification: Uncertain significance for PRKACB-related condition. Last evaluated: 2022-12-19. Review status: criteria provided, single submitter. Criteria: ACMG Guidelines, 2015. Collection method: clinical testing. Allele origin: germline.
Comment: The PRKACB c.180C>A variant is predicted to result in the amino acid substitution p.Asp60Glu. To our knowledge, this variant has not been reported in the literature or in a large population database, indicating this variant is rare. At this time, the clinical significance of this variant is uncertain due to the absence of conclusive functional and genetic evidence.

NM_182948.4(PRKACB):c.180C>A (p.Asp60Glu)

Gene: PRKACB (protein kinase cAMP-activated catalytic subunit beta; plus strand). Cytogenetic location: 1p31.1.
Variant type: single nucleotide variant.
Coding change: c.180C>A on transcript NM_182948.4 (MANE Select); coding-DNA position 180, C replaced by A.
Protein change: p.Asp60Glu; replaces aspartic acid 60 with glutamic acid.
Molecular consequence: missense variant. On other transcripts: intron variant (3).
Genome position (GRCh38, 1-based): chr1:84,144,541, C>A. VCF-style: chr1-84144541-C-A. GRCh37 (hg19) VCF-style: chr1-84610224-C-A.
Other names: c.180C>A, p.Asp60Glu (NM_001300916.2); c.47-34636C>A (NM_002731.4, NM_001375576.1, NM_207578.3); short protein forms D60E.
Identifiers: ClinVar variation 2629721 (VCV002629721.1), dbSNP rs764442698, ClinGen allele CA341101335.